The following is an entry in ClinVar:

NM_001271.4(CHD2):c.5209C>T (p.His1737Tyr)

Gene: CHD2 (chromodomain helicase DNA binding protein 2; plus strand). Cytogenetic location: 15q26.1.
Variant type: single nucleotide variant.
Coding change: c.5209C>T on transcript NM_001271.4 (MANE Select); coding-DNA position 5209, C replaced by T.
Protein change: p.His1737Tyr; replaces histidine 1737 with tyrosine.
Molecular consequence: missense variant.
Genome position (GRCh38, 1-based): chr15:93,024,427, C>T. VCF-style: chr15-93024427-C-T. GRCh37 (hg19) VCF-style: chr15-93567657-C-T.
Other names: short protein forms H1737Y.
Identifiers: ClinVar variation 3636701 (VCV003636701.2).

ClinVar aggregate classification (germline): Uncertain significance (1 of 4 stars; one submission).

Conditions:
Developmental and epileptic encephalopathy 94 (DEE94). Also called: Epileptic encephalopathy, childhood-onset; CHD2-Related Neurodevelopmental Disorders. Identifiers: Orphanet 1942, Orphanet 2382, MedGen C3809278, MONDO:0014150, OMIM 615369.

gnomAD v4.1: 1 of 1,614,148 alleles (0.000062%); no homozygotes.

Submission:

Labcorp Genetics (formerly Invitae), Labcorp
Classification: Uncertain significance for Developmental and epileptic encephalopathy 94. Last evaluated: 2024-05-21. Review status: criteria provided, single submitter. Criteria: Invitae Variant Classification Sherloc (09022015). Collection method: clinical testing. Allele origin: germline.
Comment: This sequence change replaces histidine, which is basic and polar, with tyrosine, which is neutral and polar, at codon 1737 of the CHD2 protein (p.His1737Tyr). This variant is not present in population databases (gnomAD no frequency). This variant has not been reported in the literature in individuals affected with CHD2-related conditions. Advanced modeling of protein sequence and biophysical properties (such as structural, functional, and spatial information, amino acid conservation, physicochemical variation, residue mobility, and thermodynamic stability) performed at Invitae indicates that this missense variant is not expected to disrupt CHD2 protein function with a negative predictive value of 95%. In summary, the available evidence is currently insufficient to determine the role of this variant in disease. Therefore, it has been classified as a Variant of Uncertain Significance.